The following is an entry in ClinVar:

NM_000152.5(GAA):c.692+38C>T

Gene: GAA (alpha glucosidase; plus strand). Cytogenetic location: 17q25.3.
Variant type: single nucleotide variant.
Coding change: c.692+38C>T on transcript NM_000152.5 (MANE Select); 38 bases into the intron after coding-DNA position 692, C replaced by T.
Molecular consequence: intron variant.
Genome position (GRCh38, 1-based): chr17:80,105,932, C>T. VCF-style: chr17-80105932-C-T. GRCh37 (hg19) VCF-style: chr17-78079731-C-T.
Other names: NC_000017.10:g.78079731C>T; c.692+38C>T (NM_001079803.3, NM_001079804.3).
Identifiers: ClinVar variation 1273143 (VCV001273143.4), dbSNP rs2304848, ClinGen allele CA8814972.

ClinVar aggregate classification (germline): Benign. Review status: criteria provided, multiple submitters, no conflicts (2 of 4 stars). 3 submissions from 3 submitters: Benign (3). Last evaluated 2026-07-01.

Conditions:
Glycogen storage disease, type II (IOPD). Also called: Glucosidase acid-1,4-alpha deficiency; Pompe Disease; CARDIOMEGALIA GLYCOGENICA DIFFUSA; GLYCOGENOSIS, GENERALIZED, CARDIAC FORM; GSD II; Glycogen storage disease type 2. Identifiers: Orphanet 365, MedGen C0017921, MONDO:0009290, OMIM 232300.

Allele frequency attached by ClinVar (database versions not stated): gnomAD 0.01099 and 0.01508; TOPMed 0.01237; gnomAD exomes 0.01892 and 0.03211; ESP Exome Variant Server 0.00562; ExAC 0.03176; 1000 Genomes Project 30x 0.04201; 1000 Genomes Project 0.04453.

Submissions (14):

Genomenon, Inc
Classification: Benign for Glycogen storage disease, type II. Last evaluated: 2026-07-01. Review status: criteria provided, single submitter. Criteria: Genomenon Sequence Variant Interpretation Standards - Updated. Collection method: curation. Allele origin: germline. Affected: no.
Comment: GAA c.692+38C>T is an intronic variant located in intron 3. This variant is present at high allele frequency in population databases. We classify GAA c.692+38C>T as a benign variant.

GeneDx
Classification: Benign. Last evaluated: 2015-03-03. Review status: criteria provided, single submitter. Criteria: GeneDx Variant Classification Process June 2021. Collection method: clinical testing. Allele origin: germline. Affected: yes.

Breakthrough Genomics
Classification: Benign. Review status: criteria provided, single submitter. Criteria: ACMG Guidelines, 2015. Collection method: not provided. Allele origin: germline. Inheritance: Autosomal recessive inheritance. Affected: yes.

Dr. Peter K. Rogan Lab, Western University
No classification provided (evidence only). Condition: Lung cancer. Review status: no classification provided. Collection method: in vitro. Allele origin: not applicable. Functional consequence: retained intron. Not counted in ClinVar's aggregate classification.

Dr. Peter K. Rogan Lab, Western University
No classification provided (evidence only). Condition: Acute myeloid leukemia. Review status: no classification provided. Collection method: in vitro. Allele origin: not applicable. Functional consequence: retained intron. Not counted in ClinVar's aggregate classification.

Dr. Peter K. Rogan Lab, Western University
No classification provided (evidence only). Condition: Uterine corpus endometrial carcinoma. Review status: no classification provided. Collection method: in vitro. Allele origin: not applicable. Functional consequence: retained intron. Not counted in ClinVar's aggregate classification.

Dr. Peter K. Rogan Lab, Western University
No classification provided (evidence only). Condition: Cervical cancer. Review status: no classification provided. Collection method: in vitro. Allele origin: not applicable. Functional consequence: retained intron. Not counted in ClinVar's aggregate classification.

Dr. Peter K. Rogan Lab, Western University
No classification provided (evidence only). Condition: Sarcoma. Review status: no classification provided. Collection method: in vitro. Allele origin: not applicable. Functional consequence: retained intron. Not counted in ClinVar's aggregate classification.

Dr. Peter K. Rogan Lab, Western University
No classification provided (evidence only). Condition: Thymoma. Review status: no classification provided. Collection method: in vitro. Allele origin: not applicable. Functional consequence: retained intron. Not counted in ClinVar's aggregate classification.

Dr. Peter K. Rogan Lab, Western University
No classification provided (evidence only). Condition: Ovarian serous cystadenocarcinoma. Review status: no classification provided. Collection method: in vitro. Allele origin: not applicable. Functional consequence: retained intron. Not counted in ClinVar's aggregate classification.

Dr. Peter K. Rogan Lab, Western University
No classification provided (evidence only). Condition: Ovarian serous cystadenocarcinoma. Review status: no classification provided. Collection method: in vitro. Allele origin: not applicable. Functional consequence: retained intron. Not counted in ClinVar's aggregate classification.

Dr. Peter K. Rogan Lab, Western University
No classification provided (evidence only). Condition: Ovarian serous cystadenocarcinoma. Review status: no classification provided. Collection method: in vitro. Allele origin: not applicable. Functional consequence: retained intron. Not counted in ClinVar's aggregate classification.

Dr. Peter K. Rogan Lab, Western University
No classification provided (evidence only). Condition: Gastric cancer. Review status: no classification provided. Collection method: in vitro. Allele origin: not applicable. Functional consequence: retained intron. Not counted in ClinVar's aggregate classification.

Dr. Peter K. Rogan Lab, Western University
No classification provided (evidence only). Condition: Gastric cancer. Review status: no classification provided. Collection method: in vitro. Allele origin: not applicable. Functional consequence: retained intron. Not counted in ClinVar's aggregate classification.